The following is an entry in ClinVar:

ClinVar aggregate classification (germline): Uncertain significance. Review status: criteria provided, multiple submitters, no conflicts (2 of 4 stars). 2 submissions from 2 submitters: Uncertain significance (2). Last evaluated 2022-03-02.

Conditions:
Stargardt disease 4 (STGD4). Identifiers: Orphanet 827, MedGen C1863534, MONDO:0011370, OMIM 603786.
Cone-rod dystrophy 12 (CORD12). Identifiers: Orphanet 1872, MedGen C2675210, MONDO:0012983, OMIM 612657.
Retinitis pigmentosa 41 (RP41). Also called: RETINAL DEGENERATION, AUTOSOMAL RECESSIVE, PROMININ-RELATED. Identifiers: Orphanet 791, MedGen C2677516, MONDO:0012796, OMIM 612095.
Retinal macular dystrophy type 2 (MCDR2). Also called: Bull's eye macular dystrophy. Identifiers: Orphanet 319640, MedGen C4749334, MONDO:0011957, OMIM 608051.

Submissions (2):

Labcorp Genetics (formerly Invitae), Labcorp
Classification: Uncertain significance. Last evaluated: 2022-03-02. Review status: criteria provided, single submitter. Criteria: Invitae Variant Classification Sherloc (09022015). Collection method: clinical testing. Allele origin: germline.
Comment: In summary, the available evidence is currently insufficient to determine the role of this variant in disease. Therefore, it has been classified as a Variant of Uncertain Significance. Variants that disrupt the consensus splice site are a relatively common cause of aberrant splicing (PMID: 17576681, 9536098). Algorithms developed to predict the effect of sequence changes on RNA splicing suggest that this variant may disrupt the consensus splice site. This variant has been observed in individual(s) with autosomal recessive retinitis pigmentosa (PMID: 23462753). This variant is not present in population databases (gnomAD no frequency). This sequence change falls in intron 22 of the PROM1 gene. It does not directly change the encoded amino acid sequence of the PROM1 protein. It affects a nucleotide within the consensus splice site.

Juno Genomics, Hangzhou Juno Genomics, Inc
Classification: Uncertain significance for Stargardt disease 4; Cone-rod dystrophy 12; Retinal macular dystrophy type 2; Retinitis pigmentosa 41. Review status: criteria provided, single submitter. Criteria: ACMG Guidelines, 2015. Collection method: clinical testing. Allele origin: germline.
Comment: Absent from controls (or at extremely low frequency if recessive) in Genome Aggregation Database.;Multiple lines of computational evidence support a deleterious effect on the gene or gene product.;For recessive disorders, detected in trans with a pathogenic variant.;Patient's phenotype or family history is highly specific for a disease with a single genetic etiology.

Literature cited by the submitters: PubMed 17576681 (cited by Labcorp Genetics (formerly Invitae), Labcorp); PubMed 9536098 (cited by Labcorp Genetics (formerly Invitae), Labcorp); PubMed 23462753 (cited by Labcorp Genetics (formerly Invitae), Labcorp).

NM_006017.3(PROM1):c.2373+5G>T

Gene: PROM1 (prominin 1; minus strand). Cytogenetic location: 4p15.32.
Variant type: single nucleotide variant.
Coding change: c.2373+5G>T on transcript NM_006017.3 (MANE Select); 5 bases into the intron after coding-DNA position 2373, G replaced by T.
Molecular consequence: intron variant.
Genome position (GRCh38, 1-based): chr4:15,984,258, C>A on the plus strand (G>T on the coding strand, the complement: PROM1 is on the minus strand). VCF-style: chr4-15984258-C-A. GRCh37 (hg19) VCF-style: chr4-15985881-C-A.
Other names: c.2346+5G>T (NM_001145848.2, NM_001145852.2, NM_001145847.2 and 4 more transcripts); c.2373+5G>T (NM_001145850.2, NM_001145849.2).
Identifiers: ClinVar variation 1404608 (VCV001404608.8), dbSNP rs2149067614, ClinGen allele CA2573137625.